The following is an entry in ClinVar:

NM_003803.4(MYOM1):c.1186C>T (p.Pro396Ser)

Gene: MYOM1 (myomesin 1; minus strand). Cytogenetic location: 18p11.31.
Variant type: single nucleotide variant.
Coding change: c.1186C>T on transcript NM_003803.4 (MANE Select); coding-DNA position 1186, C replaced by T.
Protein change: p.Pro396Ser; replaces proline 396 with serine.
Molecular consequence: missense variant.
Genome position (GRCh38, 1-based): chr18:3,168,970, G>A on the plus strand (C>T on the coding strand, the complement: MYOM1 is on the minus strand). VCF-style: chr18-3168970-G-A. GRCh37 (hg19) VCF-style: chr18-3168968-G-A.
Other names: c.1186C>T, p.Pro396Ser (NM_019856.2); short protein forms P396S.
Identifiers: ClinVar variation 1003858 (VCV001003858.9), dbSNP rs554996810, ClinGen allele CA8875012.

ClinVar aggregate classification (germline): Uncertain significance (1 of 4 stars; one submission).

Conditions:
Hypertrophic cardiomyopathy. Also called: HYPERTROPHIC MYOCARDIOPATHY. Identifiers: Orphanet 217569, MedGen C0007194, MeSH D002312, MONDO:0005045, HP:0001639.

Allele frequency attached by ClinVar (database versions not stated): gnomAD 0.00002 and 0.00003; TOPMed 0.00003; gnomAD exomes 0.00006 and 0.00008; ExAC 0.00010; 1000 Genomes Project 30x 0.00016; 1000 Genomes Project 0.00020.
gnomAD v4.1: 120 of 1,611,834 alleles (0.0074%); highest among the groups gnomAD compares: East Asian, 0.02%; no homozygotes.

Submission:

Labcorp Genetics (formerly Invitae), Labcorp
Classification: Uncertain significance for Hypertrophic cardiomyopathy. Last evaluated: 2026-01-13. Review status: criteria provided, single submitter. Criteria: Invitae Variant Classification Sherloc (09022015). Collection method: clinical testing. Allele origin: germline.
Comment: This sequence change replaces proline, which is neutral and non-polar, with serine, which is neutral and polar, at codon 396 of the MYOM1 protein (p.Pro396Ser). This variant is present in population databases (rs554996810, gnomAD 0.02%). This variant has not been reported in the literature in individuals affected with MYOM1-related conditions. ClinVar contains an entry for this variant (Variation ID: 1003858). An algorithm developed to predict the effect of missense changes on protein structure and function (PolyPhen-2) suggests that this variant is likely to be disruptive. In summary, the available evidence is currently insufficient to determine the role of this variant in disease. Therefore, it has been classified as a Variant of Uncertain Significance.